The following is an entry in ClinVar:

NM_020533.3(MCOLN1):c.1432G>A (p.Ala478Thr)

Gene: MCOLN1 (mucolipin TRP cation channel 1; plus strand). Cytogenetic location: 19p13.2.
Variant type: single nucleotide variant.
Coding change: c.1432G>A on transcript NM_020533.3 (MANE Select); coding-DNA position 1432, G replaced by A.
Protein change: p.Ala478Thr; replaces alanine 478 with threonine.
Molecular consequence: missense variant.
Genome position (GRCh38, 1-based): chr19:7,530,358, G>A. VCF-style: chr19-7530358-G-A. GRCh37 (hg19) VCF-style: chr19-7595244-G-A.
Other names: c.1432G>A (NM_020533.2); short protein forms A478T.
Identifiers: ClinVar variation 3708492 (VCV003708492.4).

ClinVar aggregate classification (germline): Uncertain significance. Review status: criteria provided, multiple submitters, no conflicts (2 of 4 stars). 3 submissions from 3 submitters: Uncertain significance (2). 1 of the submissions does not count toward it. Last evaluated 2024-11-04.

Conditions:
Mucolipidosis type IV (ML4). Also called: ML IV. Identifiers: Orphanet 578, MedGen C0238286, MONDO:0009653, OMIM 252650.

Submissions (3):

Laboratorio de Genetica e Diagnostico Molecular, Hospital Israelita Albert Einstein
Classification: Uncertain significance for Mucolipidosis type IV. Last evaluated: 2024-11-04. Review status: criteria provided, single submitter. Criteria: ACMG Guidelines, 2015. Collection method: clinical testing. Allele origin: germline. Affected: yes.
Comment: ACMG classification criteria: PM2 supporting, BP4 supporting

Labcorp Genetics (formerly Invitae), Labcorp
Classification: Uncertain significance for Mucolipidosis type IV. Last evaluated: 2024-04-17. Review status: criteria provided, single submitter. Criteria: Invitae Variant Classification Sherloc (09022015). Collection method: clinical testing. Allele origin: germline.
Comment: This sequence change replaces alanine, which is neutral and non-polar, with threonine, which is neutral and polar, at codon 478 of the MCOLN1 protein (p.Ala478Thr). This variant is present in population databases (no rsID available, gnomAD 0.003%). This variant has not been reported in the literature in individuals affected with MCOLN1-related conditions. Advanced modeling of protein sequence and biophysical properties (such as structural, functional, and spatial information, amino acid conservation, physicochemical variation, residue mobility, and thermodynamic stability) has been performed at Invitae for this missense variant, however the output from this modeling did not meet the statistical confidence thresholds required to predict the impact of this variant on MCOLN1 protein function. In summary, the available evidence is currently insufficient to determine the role of this variant in disease. Therefore, it has been classified as a Variant of Uncertain Significance.

Natera, Inc.
Classification: Uncertain significance for Mucolipidosis type IV. Last evaluated: 2025-03-30. Review status: no assertion criteria provided. Collection method: clinical testing. Allele origin: germline. Not counted in ClinVar's aggregate classification.